The following is an entry in ClinVar:

NM_000552.5(VWF):c.5793G>A (p.Gln1931=)

Gene: VWF (von Willebrand factor; minus strand). Cytogenetic location: 12p13.31.
Variant type: single nucleotide variant.
Coding change: c.5793G>A on transcript NM_000552.5 (MANE Select); coding-DNA position 5793, G replaced by A.
Protein change: p.Gln1931=; no amino-acid change (glutamine 1931 retained).
Molecular consequence: synonymous variant.
Genome position (GRCh38, 1-based): chr12:6,011,666, C>T on the plus strand (G>A on the coding strand, the complement: VWF is on the minus strand). VCF-style: chr12-6011666-C-T. GRCh37 (hg19) VCF-style: chr12-6120832-C-T.
Other names: c.5793G>A (NM_000552.4).
Identifiers: ClinVar variation 2627359 (VCV002627359.3), dbSNP rs574811308, ClinGen allele CA6402155.

ClinVar aggregate classification (germline): Conflicting classifications of pathogenicity. Review status: criteria provided, conflicting classifications (1 of 4 stars). 3 submissions from 3 submitters: Uncertain significance (1); Likely benign (2). Last evaluated 2023-09-29.

gnomAD v4.1: 104 of 1,613,494 alleles (0.0064%); highest among the groups gnomAD compares: Admixed American, 0.17%; no homozygotes.

Submissions (3):

Women's Health and Genetics/Laboratory Corporation of America, LabCorp
Classification: Likely benign. Last evaluated: 2023-09-29. Review status: criteria provided, single submitter. Criteria: LabCorp Variant Classification Summary - May 2015. Collection method: clinical testing. Allele origin: germline.
Comment: Variant summary: VWF c.5793G>A alters a non-conserved nucleotide resulting in a synonymous change. Consensus agreement among computation tools predict no significant impact on normal splicing. However, these predictions have yet to be confirmed by functional studies. The variant allele was found at a frequency of 0.00035 in 248952 control chromosomes. To our knowledge, no occurrence of c.5793G>A in individuals affected with Von Willebrand Disease and no experimental evidence demonstrating its impact on protein function have been reported. No submitters have cited clinical-significance assessments for this variant to ClinVar after 2014. Based on the evidence outlined above, the variant was classified as likely benign.

Quest Diagnostics Nichols Institute San Juan Capistrano
Classification: Uncertain significance. Last evaluated: 2023-04-18. Review status: criteria provided, single submitter. Criteria: Quest Diagnostics criteria. Collection method: clinical testing. Allele origin: unknown.
Comment: To the best of our knowledge, the variant has not been reported in the published literature. The frequency of this variant in the general population, 0.0025 (87/35326 chromosomes), is uninformative in assessment of its pathogenicity. Analysis of this variant using software algorithms for the prediction of the effect of nucleotide changes on splicing yielded predictions that this variant does not affect VWF mRNA splicing. Based on the available information, we are unable to determine the clinical significance of this variant.

Blueprint Genetics
Classification: Likely benign. Last evaluated: 2020-12-02. Review status: criteria provided, single submitter. Criteria: ACMG Guidelines, 2015. Collection method: clinical testing. Allele origin: germline.